The following is an entry in ClinVar:

ClinVar aggregate classification (germline): Conflicting classifications of pathogenicity. Review status: criteria provided, conflicting classifications (1 of 4 stars). 2 submissions from 2 submitters: Uncertain significance (1); Likely benign (1). Last evaluated 2026-01-06.

Conditions:
Inborn genetic diseases. Identifiers: MedGen C0950123, MeSH D030342.

Allele frequency attached by ClinVar (database versions not stated): ESP Exome Variant Server 0.00008; TOPMed 0.00015; 1000 Genomes Project 30x 0.00016; gnomAD 0.00017; 1000 Genomes Project 0.00020.
gnomAD v4.1: 43 of 1,563,664 alleles (0.0027%); highest among the groups gnomAD compares: African/African-American, 0.048%; no homozygotes.

Submissions (2):

Labcorp Genetics (formerly Invitae), Labcorp
Classification: Uncertain significance. Last evaluated: 2026-01-06. Review status: criteria provided, single submitter. Criteria: Invitae Variant Classification Sherloc (09022015). Collection method: clinical testing. Allele origin: germline.
Comment: This sequence change replaces lysine, which is basic and polar, with threonine, which is neutral and polar, at codon 114 of the NEFH protein (p.Lys114Thr). This variant is present in population databases (rs368523917, gnomAD 0.05%). This variant has not been reported in the literature in individuals affected with NEFH-related conditions. ClinVar contains an entry for this variant (Variation ID: 1442702). Experimental studies and prediction algorithms are not available or were not evaluated, and the functional significance of this variant is currently unknown. In summary, the available evidence is currently insufficient to determine the role of this variant in disease. Therefore, it has been classified as a Variant of Uncertain Significance.

Ambry Genetics
Classification: Likely benign for Inborn genetic diseases. Last evaluated: 2021-10-29. Review status: criteria provided, single submitter. Criteria: Ambry Variant Classification Scheme 2023. Collection method: clinical testing. Allele origin: germline.

NM_021076.4(NEFH):c.341A>C (p.Lys114Thr)

Gene: NEFH (neurofilament heavy chain; plus strand). Cytogenetic location: 22q12.2.
Variant type: single nucleotide variant.
Coding change: c.341A>C on transcript NM_021076.4 (MANE Select); coding-DNA position 341, A replaced by C.
Protein change: p.Lys114Thr; replaces lysine 114 with threonine.
Molecular consequence: missense variant.
Genome position (GRCh38, 1-based): chr22:29,480,603, A>C. VCF-style: chr22-29480603-A-C. GRCh37 (hg19) VCF-style: chr22-29876592-A-C.
Other names: short protein forms K114T.
Identifiers: ClinVar variation 1442702 (VCV001442702.8), dbSNP rs368523917, ClinGen allele CA10173996.